The following is an entry in ClinVar:

NM_000059.4(BRCA2):c.9683G>C (p.Ser3228Thr)

Gene: BRCA2 (BRCA2 DNA repair associated; plus strand). Cytogenetic location: 13q13.1.
Variant type: single nucleotide variant.
Coding change: c.9683G>C on transcript NM_000059.4 (MANE Select); coding-DNA position 9683, G replaced by C.
Protein change: p.Ser3228Thr; replaces serine 3228 with threonine.
Molecular consequence: missense variant. On other transcripts: non-coding transcript variant (1).
Genome position (GRCh38, 1-based): chr13:32,398,196, G>C. VCF-style: chr13-32398196-G-C. GRCh37 (hg19) VCF-style: chr13-32972333-G-C.
Other names: c.9587G>C, p.Ser3196Thr (NM_001406719.1); c.9632G>C, p.Ser3211Thr (NM_001406720.1); c.4751G>C, p.Ser1584Thr (NM_001406721.1); c.3266G>C, p.Ser1089Thr (NM_001406722.1); c.9683G>C, p.Ser3228Thr (NM_001432077.1); short protein forms S1584T, S1089T, S3196T, S3228T, S3211T.
Identifiers: ClinVar variation 3706394 (VCV003706394.2).

ClinVar aggregate classification (germline): Uncertain significance (1 of 4 stars; one submission).

Conditions:
Hereditary breast ovarian cancer syndrome. Also called: Hereditary breast and ovarian cancer syndrome; Hereditary breast and/or ovarian cancer syndrome; BRCA1- and BRCA2-Associated Hereditary Breast and Ovarian Cancer; Hereditary breast and ovarian cancer; Breast and ovarian cancer; Hereditary breast and ovarian cancer syndrome (HBOC). Identifiers: Orphanet 145, MedGen C0677776, MeSH D061325, MONDO:0003582. Disease mechanism: loss of function.

Submission:

Labcorp Genetics (formerly Invitae), Labcorp
Classification: Uncertain significance for Hereditary breast ovarian cancer syndrome. Last evaluated: 2024-12-19. Review status: criteria provided, single submitter. Criteria: Invitae Variant Classification Sherloc (09022015). Collection method: clinical testing. Allele origin: germline.
Comment: This sequence change replaces serine, which is neutral and polar, with threonine, which is neutral and polar, at codon 3228 of the BRCA2 protein (p.Ser3228Thr). This variant is not present in population databases (gnomAD no frequency). This missense change has been observed in individual(s) with breast cancer (PMID: 30287823). Invitae Evidence Modeling of protein sequence and biophysical properties (such as structural, functional, and spatial information, amino acid conservation, physicochemical variation, residue mobility, and thermodynamic stability) indicates that this missense variant is not expected to disrupt BRCA2 protein function with a negative predictive value of 95%. In summary, the available evidence is currently insufficient to determine the role of this variant in disease. Therefore, it has been classified as a Variant of Uncertain Significance.

Literature cited by the submitters: PubMed 30287823.